The following is an entry in ClinVar:

ClinVar aggregate classification (germline): Likely pathogenic (1 of 4 stars; one submission).

Conditions:
Intellectual disability. Also called: Intellectual functioning disability; Intellectual developmental disorder; intellectual disabilities. Identifiers: MedGen C3714756, MeSH D008607, MONDO:0001071, HP:0001249.

Submission:

Labcorp Genetics (formerly Invitae), Labcorp
Classification: Likely pathogenic for Intellectual disability. Last evaluated: 2025-02-25. Review status: criteria provided, single submitter. Criteria: Invitae Variant Classification Sherloc (09022015). Collection method: clinical testing. Allele origin: germline.
Comment: This sequence change replaces threonine, which is neutral and polar, with alanine, which is neutral and non-polar, at codon 280 of the GABRB2 protein (p.Thr280Ala). This variant is not present in population databases (gnomAD no frequency). This missense change has been observed in individual(s) with neonatal epilepsy (internal data). In at least one individual the variant was observed to be de novo. ClinVar contains an entry for this variant (Variation ID: 1437389). Invitae Evidence Modeling of protein sequence and biophysical properties (such as structural, functional, and spatial information, amino acid conservation, physicochemical variation, residue mobility, and thermodynamic stability) has been performed for this missense variant. However, the output from this modeling did not meet the statistical confidence thresholds required to predict the impact of this variant on GABRB2 protein function. In summary, the currently available evidence indicates that the variant is pathogenic, but additional data are needed to prove that conclusively. Therefore, this variant has been classified as Likely Pathogenic.

NM_001371727.1(GABRB2):c.838A>G (p.Thr280Ala)

Gene: GABRB2 (gamma-aminobutyric acid type A receptor subunit beta2; minus strand). Cytogenetic location: 5q34.
Variant type: single nucleotide variant.
Coding change: c.838A>G on transcript NM_001371727.1 (MANE Select); coding-DNA position 838, A replaced by G.
Protein change: p.Thr280Ala; replaces threonine 280 with alanine.
Molecular consequence: missense variant.
Genome position (GRCh38, 1-based): chr5:161,331,122, T>C on the plus strand (A>G on the coding strand, the complement: GABRB2 is on the minus strand). VCF-style: chr5-161331122-T-C. GRCh37 (hg19) VCF-style: chr5-160758129-T-C.
Other names: c.838A>G, p.Thr280Ala (NM_000813.3, NM_021911.3); short protein forms T280A.
Identifiers: ClinVar variation 1437389 (VCV001437389.8), dbSNP rs2113397917, ClinGen allele CA362175512.